The following is an entry in ClinVar:

ClinVar aggregate classification (germline): Conflicting classifications of pathogenicity. Review status: criteria provided, conflicting classifications (1 of 4 stars). 4 submissions from 4 submitters: Uncertain significance (1); Likely benign (2). 1 of the submissions does not count toward it. Last evaluated 2026-01-05.

Conditions:
CSF1R-related disorder. Also called: CSF1R-related condition. Identifiers: MedGen CN379780, MONDO:0100632.
Hereditary diffuse leukoencephalopathy with spheroids. Also called: LEUKOENCEPHALOPATHY, ADULT-ONSET, WITH AXONAL SPHEROIDS AND PIGMENTED GLIA. Identifiers: Orphanet 313808, MedGen C3711381, MONDO:0030796.

Allele frequency attached by ClinVar (database versions not stated): ExAC 0.00008; gnomAD 0.00010 and 0.00011; TOPMed 0.00013; ESP Exome Variant Server 0.00015; gnomAD exomes 0.00017 and 0.00031.

Submissions (4):

Labcorp Genetics (formerly Invitae), Labcorp
Classification: Likely benign. Last evaluated: 2026-01-05. Review status: criteria provided, single submitter. Criteria: Invitae Variant Classification Sherloc (09022015). Collection method: clinical testing. Allele origin: germline.

Mayo Clinic Laboratories, Mayo Clinic
Classification: Uncertain significance. Last evaluated: 2025-10-09. Review status: criteria provided, single submitter. Criteria: ACMG Guidelines, 2015. Collection method: clinical testing. Allele origin: germline. Observed: 1 variant allele.

Illumina Laboratory Services, Illumina
Classification: Likely benign for Leukoencephalopathy, diffuse hereditary, with spheroids 1. Last evaluated: 2018-01-13. Review status: criteria provided, single submitter. Criteria: ICSL Variant Classification Criteria 13 December 2019. Collection method: clinical testing. Allele origin: germline.
Comment: This variant was observed in the ICSL laboratory as part of a predisposition screen in an ostensibly healthy population. It had not been previously curated by ICSL or reported in the Human Gene Mutation Database (HGMD: prior to June 1st, 2018), and was therefore a candidate for classification through an automated scoring system. Utilizing variant allele frequency, disease prevalence and penetrance estimates, and inheritance mode, an automated score was calculated to assess if this variant is too frequent to cause the disease. Based on the score and internal cut-off values, a variant classified as likely benign is not then subjected to further curation. The score for this variant resulted in a classification of likely benign for this disease.

PreventionGenetics, part of Exact Sciences
Classification: Likely benign for CSF1R-related condition. Last evaluated: 2023-05-24. Review status: no assertion criteria provided. Collection method: clinical testing. Allele origin: germline. Not counted in ClinVar's aggregate classification.
Comment: This variant is classified as likely benign based on ACMG/AMP sequence variant interpretation guidelines (Richards et al. 2015 PMID: 25741868, with internal and published modifications).

NM_001288705.3(CSF1R):c.895G>A (p.Ala299Thr)

Gene: CSF1R (colony stimulating factor 1 receptor; minus strand). Cytogenetic location: 5q32.
Variant type: single nucleotide variant.
Coding change: c.895G>A on transcript NM_001288705.3 (MANE Select); coding-DNA position 895, G replaced by A.
Protein change: p.Ala299Thr; replaces alanine 299 with threonine.
Molecular consequence: missense variant. On other transcripts: non-coding transcript variant (2).
Genome position (GRCh38, 1-based): chr5:150,073,488, C>T on the plus strand (G>A on the coding strand, the complement: CSF1R is on the minus strand). VCF-style: chr5-150073488-C-T. GRCh37 (hg19) VCF-style: chr5-149453051-C-T.
Other names: p.Ala299Thr; c.895G>A, p.Ala299Thr (NM_001349736.2, NM_001375320.1, NM_005211.4); c.451G>A, p.Ala151Thr (NM_001375321.1); short protein forms A151T, A299T.
Identifiers: ClinVar variation 904114 (VCV000904114.14), dbSNP rs370361925, ClinGen allele CA3506992.